The following is an entry in ClinVar:

NM_001374736.1(DST):c.18826G>A (p.Val6276Met)

Gene: DST (dystonin; minus strand). Cytogenetic location: 6p12.1.
Variant type: single nucleotide variant.
Coding change: c.18826G>A on transcript NM_001374736.1 (MANE Select); coding-DNA position 18826, G replaced by A.
Protein change: p.Val6276Met; replaces valine 6276 with methionine.
Molecular consequence: missense variant.
Genome position (GRCh38, 1-based): chr6:56,509,828, C>T on the plus strand (G>A on the coding strand, the complement: DST is on the minus strand). VCF-style: chr6-56509828-C-T. GRCh37 (hg19) VCF-style: chr6-56374626-C-T.
Other names: c.12469G>A, p.Val4157Met (NM_001144769.5); c.12055G>A, p.Val4019Met (NM_001144770.2); c.18826G>A, p.Val6276Met (NM_001374722.1); c.17866G>A, p.Val5956Met (NM_001374729.1); c.11608G>A, p.Val3870Met (NM_001374730.1); c.18853G>A, p.Val6285Met (NM_001374734.1); c.10957G>A, p.Val3653Met (NM_015548.5); c.11935G>A, p.Val3979Met (NM_183380.4); short protein forms V3870M, V3979M, V4019M, V4157M, V5956M, V6285M, V3653M, V6276M.
Identifiers: ClinVar variation 970130 (VCV000970130.10), dbSNP rs377620360, ClinGen allele CA3867132.
Genomic context (GRCh38, chr6:56,509,828, plus strand): 5'-TCTGTTCCTTGATCTTCTCAACCTCTGCAGAGATAGAGGGTGGCTGCCTCAGACGTTCCA[C>T]GATGCGTTCCAGGCTCTCAAGGATCTGATCTATCTTGTCATGGAACTAGGGGCAAAACAA-3'
Protein context (NP_001361665.1, residues 6266-6286): DQILESLERI[Val6276Met]ERLRQPPSIS

ClinVar aggregate classification (germline): Uncertain significance (1 of 4 stars; one submission).

Conditions:
Epidermolysis bullosa simplex 3, localized or generalized intermediate, with BP230 deficiency (EBS3). Also called: Epidermolysis bullosa simplex, autosomal recessive 2; Epidermolysis bullosa simplex due to BP230 deficiency. Identifiers: Orphanet 412181, MedGen C3809470, MONDO:0014180, OMIM 615425.
Hereditary sensory and autonomic neuropathy type 6. Also called: Neuropathy, hereditary sensory and autonomic, type VI; HSAN VI. Identifiers: Orphanet 314381, MedGen C3539003, MONDO:0013839, OMIM 614653.

Allele frequency attached by ClinVar (database versions not stated): ExAC 0.00003; gnomAD exomes 0.00003; TOPMed 0.00003; gnomAD 0.00004 and 0.00005; ESP Exome Variant Server 0.00008.
gnomAD v4.1: 25 of 1,613,374 alleles (0.0015%); highest among the groups gnomAD compares: East Asian, 0.0067%; no homozygotes.

Submission:

Labcorp Genetics (formerly Invitae), Labcorp
Classification: Uncertain significance for Epidermolysis bullosa simplex 3, localized or generalized intermediate, with BP230 deficiency; Hereditary sensory and autonomic neuropathy type 6. Last evaluated: 2022-04-07. Review status: criteria provided, single submitter. Criteria: Invitae Variant Classification Sherloc (09022015). Collection method: clinical testing. Allele origin: germline.
Comment: In summary, the available evidence is currently insufficient to determine the role of this variant in disease. Therefore, it has been classified as a Variant of Uncertain Significance. Experimental studies and prediction algorithms are not available or were not evaluated, and the functional significance of this variant is currently unknown. This variant has not been reported in the literature in individuals affected with DST-related conditions. This variant is present in population databases (rs377620360, gnomAD 0.02%). This sequence change replaces valine, which is neutral and non-polar, with methionine, which is neutral and non-polar, at codon 3653 of the DST protein (p.Val3653Met). The DST gene has multiple clinically relevant transcripts. This variant occurs in alternate transcript NM_015548.4, and corresponds to NM_001723.5:c.*105689G>A in the primary transcript.